The following is an entry in ClinVar:

ClinVar aggregate classification (germline): Uncertain significance (1 of 4 stars; one submission).

Conditions:
Hereditary cancer-predisposing syndrome. Also called: Neoplastic Syndromes, Hereditary; Tumor predisposition; Hereditary Cancer Syndrome; Hereditary neoplastic syndrome. Identifiers: Orphanet 140162, MedGen C0027672, MeSH D009386, MONDO:0015356.

Submission:

Ambry Genetics
Classification: Uncertain significance for Hereditary cancer-predisposing syndrome. Last evaluated: 2026-01-02. Review status: criteria provided, single submitter. Criteria: Ambry Variant Classification Scheme 2023. Collection method: clinical testing. Allele origin: germline.
Comment: The c.4002-17_4002-1dup17 variant results from a duplication of 17 nucleotides between positions c.4002-17 and c.4002-1 and involves the canonical splice acceptor site before coding exon 10 of the MSH6 gene. In silico splice site analysis predicts that this alteration may weaken the native splice acceptor site; however, the exact impact of this duplication on splicing and function is currently unknown. The canonical splice acceptor site is not well conserved in available vertebrate species. Based on the available evidence, the clinical significance of this variant remains unclear.

NM_000179.3(MSH6):c.4002-17_4002-1dup

Gene: MSH6 (mutS homolog 6; plus strand). Cytogenetic location: 2p16.3.
Variant type: Duplication.
Coding change: c.4002-17_4002-1dup on transcript NM_000179.3 (MANE Select); 17 bases into the intron before coding-DNA position 4002 through the canonical splice acceptor site of the intron before coding-DNA position 4002, 17 bases duplicated (TTTTTTTTAATTTTAAG).
Molecular consequence: splice acceptor variant. On other transcripts: intron variant (3).
Genome position (GRCh38, 1-based): chr2:47,806,762-47,806,778, TTTTTTTTAATTTTAAG duplicated. VCF-style (leftmost placement, unchanged base first): chr2-47806761-T-TTTTTTTTTAATTTTAAG. GRCh37 (hg19) VCF-style: chr2-48033900-T-TTTTTTTTTAATTTTAAG.
Other names: c.4002-17_4002-1dup (NM_001406809.1, NM_001406796.1); c.3096-17_3096-1dup (NM_001406811.1, NM_001406814.1, NM_001281493.2 and 6 more transcripts); c.3705-17_3705-1dup (NM_001406805.1, NM_001406797.1, NM_001406818.1 and 8 more transcripts); c.4098-17_4098-1dup (NM_001406795.1); c.3898-17_3898-1dup (NM_001406802.1); c.4008-17_4008-1dup (NM_001406813.1); c.3477-17_3477-1dup (NM_001406807.1, NM_001406799.1, NM_001406806.1); c.4002-22_4002-6dup (NM_001406808.1); and 11 more.
Identifiers: ClinVar variation 4841296 (VCV004841296.1).